The following is an entry in ClinVar:

NM_002303.6(LEPR):c.668A>G (p.Gln223Arg)

Gene: LEPR (leptin receptor; plus strand). Cytogenetic location: 1p31.3.
Variant type: single nucleotide variant.
Coding change: c.668A>G on transcript NM_002303.6 (MANE Select); coding-DNA position 668, A replaced by G.
Protein change: p.Gln223Arg; replaces glutamine 223 with arginine.
Molecular consequence: missense variant.
Genome position (GRCh38, 1-based): chr1:65,592,830, A>G. VCF-style: chr1-65592830-A-G. GRCh37 (hg19) VCF-style: chr1-66058513-A-G.
Other names: c.668A>G, p.Gln223Arg (NM_001003679.3, NM_001003680.3, NM_001198687.2 and 2 more transcripts); short protein forms Q223R.
Identifiers: ClinVar variation 8521 (VCV000008521.18), dbSNP rs1137101, ClinGen allele CA119663.

ClinVar aggregate classification (germline): Benign. Review status: criteria provided, multiple submitters, no conflicts (2 of 4 stars). 8 submissions from 8 submitters: Benign (5). 3 of the submissions do not count toward it. Last evaluated 2026-02-04.

Conditions:
LEPR POLYMORPHISM.

Allele frequency attached by ClinVar (database versions not stated): TOPMed 0.49417; gnomAD 0.50085 and 0.50532; gnomAD exomes 0.50598; ExAC 0.51031; 1000 Genomes Project 30x 0.57823; 1000 Genomes Project 0.58427.
gnomAD v4.1: 756,985 of 1,612,512 alleles (47%); highest among the groups gnomAD compares: East Asian, 87%; 183,943 homozygotes.

Submissions (8):

Labcorp Genetics (formerly Invitae), Labcorp
Classification: Benign. Last evaluated: 2026-02-04. Review status: criteria provided, single submitter. Criteria: Invitae Variant Classification Sherloc (09022015). Collection method: clinical testing. Allele origin: germline.

Blueprint Genetics
Classification: Benign. Last evaluated: 2024-11-26. Review status: criteria provided, single submitter. Criteria: ACMG Guidelines, 2015. Collection method: clinical testing. Allele origin: germline.

GeneDx
Classification: Benign. Last evaluated: 2018-08-09. Review status: criteria provided, single submitter. Criteria: GeneDx Variant Classification Process June 2021. Collection method: clinical testing. Allele origin: germline. Affected: yes.
Comment: This variant is associated with the following publications: (PMID: 9175732, 26150085, 24985001, 32429577, 24051404, 23954230, 23429533, 12634434, 28386678, 22333091, 25114924, 24631298, 11354636, 24146750, 24743494, 21233812, 18997673, 20874424, 19344216, 21698367, 25516614, 18204169, 22127368, 18855010, 21393862, 21207066, 20183928, 22734460, 23769971, 19017403, 21159927, 23026206, 23966608, 19427969)

Athena Diagnostics
Classification: Benign. Last evaluated: 2017-07-26. Review status: criteria provided, single submitter. Criteria: Athena Diagnostics Criteria. Collection method: clinical testing. Allele origin: germline.

Breakthrough Genomics
Classification: Benign. Review status: criteria provided, single submitter. Criteria: ACMG Guidelines, 2015. Collection method: not provided. Allele origin: germline. Inheritance: Autosomal recessive inheritance. Affected: yes.

OMIM
Classification: Benign for LEPR POLYMORPHISM. Last evaluated: 2007-11-01. Review status: no assertion criteria provided. Collection method: literature only. Allele origin: germline. Not counted in ClinVar's aggregate classification.

Clinical Genetics, Academic Medical Center
Classification: Benign. Review status: no assertion criteria provided. Collection method: clinical testing. Allele origin: germline. Affected: yes. Study: VKGL Data-share Consensus. Not counted in ClinVar's aggregate classification.

Genome Diagnostics Laboratory, University Medical Center Utrecht
Classification: Benign. Review status: no assertion criteria provided. Collection method: clinical testing. Allele origin: germline. Affected: yes. Study: VKGL Data-share Consensus. Not counted in ClinVar's aggregate classification.

Literature cited by the submitters: PubMed 8666155 (cited by OMIM); Thompson, D. B., Norman, R. A., Ravussin, E., Knowler, W. C., Bennett, P., Bogardus, C. Association of the GLN223ARG polymorphism in the leptin receptor gene with plasma leptin levels, insulin secretion and NIDDM in Pima Indians. (Abstract) Diabetologia 40: A177, 1997. (cited by OMIM); PubMed 11354636 (cited by OMIM); PubMed 11443193 (cited by OMIM); PubMed 17785359 (cited by OMIM); PubMed 21393862 (cited by OMIM); PubMed 22331430 (cited by OMIM).